The following is an entry in ClinVar:

NM_000322.5(PRPH2):c.797G>A (p.Gly266Asp)

Gene: PRPH2 (peripherin 2; minus strand). Cytogenetic location: 6p21.1.
Variant type: single nucleotide variant.
Coding change: c.797G>A on transcript NM_000322.5 (MANE Select); coding-DNA position 797, G replaced by A.
Protein change: p.Gly266Asp; replaces glycine 266 with aspartic acid.
Molecular consequence: missense variant.
Genome position (GRCh38, 1-based): chr6:42,704,396, C>T on the plus strand (G>A on the coding strand, the complement: PRPH2 is on the minus strand). VCF-style: chr6-42704396-C-T. GRCh37 (hg19) VCF-style: chr6-42672134-C-T.
Other names: short protein forms G266D.
Identifiers: ClinVar variation 98709 (VCV000098709.49), dbSNP rs62645935, ClinGen allele CA226312.

ClinVar aggregate classification (germline): Pathogenic/Likely pathogenic. Review status: criteria provided, multiple submitters, no conflicts (2 of 4 stars). 8 submissions from 8 submitters: Pathogenic (5); Likely pathogenic (1). 2 of the submissions do not count toward it. Last evaluated 2025-07-10.

Conditions:
PRPH2-related disorder. Also called: PRPH2-related condition; PRPH2-related disorders. Identifiers: MedGen CN239395.
Retinal dystrophy. Also called: Inherited retinal dystrophy. Identifiers: Orphanet 71862, MedGen C0854723, MeSH D058499, MONDO:0019118, HP:0000556.
Retinitis pigmentosa 7 (RP7). Identifiers: Orphanet 791, MedGen C1842475, MONDO:0011974, OMIM 608133.

Submissions (8):

Institute of Medical Genetics and Applied Genomics, University Hospital Tübingen
Classification: Pathogenic for Retinitis pigmentosa 7. Last evaluated: 2025-07-10. Review status: criteria provided, single submitter. Criteria: ACMG Guidelines, 2015. Collection method: clinical testing. Allele origin: germline. Inheritance: Autosomal dominant inheritance. Affected: yes.

Labcorp Genetics (formerly Invitae), Labcorp
Classification: Pathogenic for PRPH2-related disorder. Last evaluated: 2023-09-25. Review status: criteria provided, single submitter. Criteria: Invitae Variant Classification Sherloc (09022015). Collection method: clinical testing. Allele origin: germline.
Comment: For these reasons, this variant has been classified as Pathogenic. Experimental studies have shown that this missense change affects PRPH2 function (PMID: 24963162). Advanced modeling of protein sequence and biophysical properties (such as structural, functional, and spatial information, amino acid conservation, physicochemical variation, residue mobility, and thermodynamic stability) performed at Invitae indicates that this missense variant is expected to disrupt PRPH2 protein function. ClinVar contains an entry for this variant (Variation ID: 98709). This missense change has been observed in individuals with autosomal dominant retinitis pigmentosa (PMID: 9331261, 11139241, 24416769). It has also been observed to segregate with disease in related individuals. This variant is not present in population databases (gnomAD no frequency). This sequence change replaces glycine, which is neutral and non-polar, with aspartic acid, which is acidic and polar, at codon 266 of the PRPH2 protein (p.Gly266Asp).

GeneDx
Classification: Pathogenic. Last evaluated: 2023-03-10. Review status: criteria provided, single submitter. Criteria: GeneDx Variant Classification Process June 2021. Collection method: clinical testing. Allele origin: germline. Affected: yes.
Comment: Published functional studies demonstrate a damaging effect with abolished interaction with rhodpsin (Becirovic et al., 2014); Not observed at significant frequency in large population cohorts (gnomAD); In silico analysis supports that this missense variant has a deleterious effect on protein structure/function; This variant is associated with the following publications: (PMID: 11139241, 16799052, 28045043, 32531858, 9331261, 24416769, 24963162, 24512775)

Institute of Human Genetics, Univ. Regensburg, Univ. Regensburg
Classification: Pathogenic for Retinal dystrophy. Last evaluated: 2023-01-01. Review status: criteria provided, single submitter. Criteria: ACMG Guidelines, 2015. Collection method: clinical testing. Allele origin: germline. Affected: yes.

Institute of Human Genetics, University of Leipzig Medical Center
Classification: Likely pathogenic for Retinitis pigmentosa 7. Last evaluated: 2020-10-21. Review status: criteria provided, single submitter. Criteria: ACMG Guidelines, 2015. Collection method: clinical testing. Allele origin: unknown. Affected: yes.

CeGaT Center for Human Genetics Tuebingen
Classification: Pathogenic. Last evaluated: 2020-09-01. Review status: criteria provided, single submitter. Criteria: CeGaT Center For Human Genetics Tuebingen Variant Classification Criteria Version 2. Collection method: clinical testing. Allele origin: germline. Affected: yes. Observed: 3 variant alleles.

Leiden Open Variation Database
Classification: Likely pathogenic. Last evaluated: 2021-04-06. Review status: no assertion criteria provided. Collection method: curation. Allele origin: germline. Affected: yes. Not counted in ClinVar's aggregate classification.
Comment: Curator: Global Variome, with Curator vacancy. Submitters to LOVD: Julia Lopez, LOVD, Manon Peeters.

Retina International
No classification provided. Review status: no classification provided. Collection method: not provided. Allele origin: not provided. Not counted in ClinVar's aggregate classification.

Literature cited by the submitters: PubMed 24963162 (cited by Labcorp Genetics (formerly Invitae), Labcorp and Institute of Human Genetics, Univ. Regensburg, Univ. Regensburg); PubMed 9331261 (cited by Labcorp Genetics (formerly Invitae), Labcorp and Leiden Open Variation Database); PubMed 11139241 (cited by 3 submitters); PubMed 24416769 (cited by 3 submitters); PubMed 32531858 (cited by Institute of Human Genetics, Univ. Regensburg, Univ. Regensburg); PubMed 34411390 (cited by Institute of Human Genetics, Univ. Regensburg, Univ. Regensburg); PubMed 37047703 (cited by Institute of Human Genetics, Univ. Regensburg, Univ. Regensburg); PubMed 16799052 (cited by Leiden Open Variation Database); PubMed 28045043 (cited by Leiden Open Variation Database).